The following is an entry in ClinVar:

NM_000159.4(GCDH):c.1271T>C (p.Leu424Pro)

Genes: GCDH (glutaryl-CoA dehydrogenase; plus strand), SYCE2 (synaptonemal complex central element protein 2; minus strand), LOC126862860 (BRD4-independent group 4 enhancer GRCh37_chr19:13010146-13011345; plus strand). Cytogenetic location: 19p13.13.
Variant type: single nucleotide variant.
Coding change: c.1271T>C on transcript NM_000159.4 (MANE Select); coding-DNA position 1271, T replaced by C.
Protein change: p.Leu424Pro; replaces leucine 424 with proline.
Molecular consequence: missense variant. On other transcripts: non-coding transcript variant (2), intron variant (2).
Genome position (GRCh38, 1-based): chr19:12,899,495, T>C. VCF-style: chr19-12899495-T-C. GRCh37 (hg19) VCF-style: chr19-13010309-T-C.
Other names: c.1244-205T>C (NM_013976.5); c.613-110A>G (NM_001105578.2); short protein forms L424P.
Identifiers: ClinVar variation 3375069 (VCV003375069.1).
Genomic context (GRCh38, chr19:12,899,495, plus strand): 5'-ACTCCAAACCGACTCTGTATTAATCTTGTCCAGGTACACATGACATTCACGCCCTGATCC[T>C]TGGGAGAGCTATCACGGGAATCCAGGCGTTCACGGCCAGCAAGTGAGCCGCTCCATCAGG-3'
Protein context (NP_000150.1, residues 414-434): EGTHDIHALI[Leu424Pro]GRAITGIQAF

ClinVar aggregate classification (germline): Uncertain significance (1 of 4 stars; one submission).

Submission:

Women's Health and Genetics/Laboratory Corporation of America, LabCorp
Classification: Uncertain significance. Last evaluated: 2024-09-04. Review status: criteria provided, single submitter. Criteria: LabCorp Variant Classification Summary - May 2015. Collection method: clinical testing. Allele origin: germline.
Comment: Variant summary: GCDH c.1271T>C (p.Leu424Pro) results in a non-conservative amino acid change located in the Acyl-CoA dehydrogenase/oxidase, C-terminal domain (IPR009075) of the encoded protein sequence. Five of five in-silico tools predict a damaging effect of the variant on protein function. The variant was absent in 251368 control chromosomes. c.1271T>C has been reported in the literature in at-least one homozygous individual affected with Glutaric Acidemia Type 1 (example: Tamhankar_2021). These data indicate that the variant may be associated with disease. To our knowledge, no experimental evidence demonstrating an impact on protein function has been reported. The following publication has been ascertained in the context of this evaluation (PMID: 34504725). No submitters have cited clinical-significance assessments for this variant to ClinVar. Based on the evidence outlined above, the variant was classified as VUS-possibly pathogenic.

Literature cited by the submitters: PubMed 34504725.